The following is an entry in ClinVar:

NM_001393769.1(MED12L):c.5807G>A (p.Arg1936Gln)

Gene: MED12L (mediator complex subunit 12L; plus strand). Cytogenetic location: 3q25.1.
Variant type: single nucleotide variant.
Coding change: c.5807G>A on transcript NM_001393769.1 (MANE Select); coding-DNA position 5807, G replaced by A.
Protein change: p.Arg1936Gln; replaces arginine 1936 with glutamine.
Molecular consequence: missense variant.
Genome position (GRCh38, 1-based): chr3:151,394,854, G>A. VCF-style: chr3-151394854-G-A. GRCh37 (hg19) VCF-style: chr3-151112642-G-A.
Other names: c.5702G>A, p.Arg1901Gln (NM_053002.6); c.5702G>A (NM_053002.4); short protein forms R1901Q, R1936Q.
Identifiers: ClinVar variation 1342365 (VCV001342365.3), dbSNP rs745754346, ClinGen allele CA2668875.

ClinVar aggregate classification (germline): Uncertain significance. Review status: criteria provided, multiple submitters, no conflicts (2 of 4 stars). 3 submissions from 3 submitters: Uncertain significance (3). Last evaluated 2025-05-07.

Conditions:
Nizon-Isidor syndrome. Identifiers: MedGen C5394350, MONDO:0030030, OMIM 618872.
Inborn genetic diseases. Identifiers: MedGen C0950123, MeSH D030342.

Allele frequency attached by ClinVar (database versions not stated): ExAC 0.00001; gnomAD exomes 0.00002; gnomAD 0.00003 and 0.00004; TOPMed 0.00003.
gnomAD v4.1: 19 of 1,613,860 alleles (0.0012%); highest among the groups gnomAD compares: East Asian, 0.016%; no homozygotes.

Submissions (3):

Women's Health and Genetics/Laboratory Corporation of America, LabCorp
Classification: Uncertain significance. Last evaluated: 2025-05-07. Review status: criteria provided, single submitter. Criteria: LabCorp Variant Classification Summary - May 2015. Collection method: clinical testing. Allele origin: germline.
Comment: Variant summary: MED12L c.5702G>A (p.Arg1901Gln) results in a conservative amino acid change in the encoded protein sequence. Algorithms developed to predict the effect of missense changes on protein structure and function all suggest that this variant is likely to be tolerated. The variant allele was found at a frequency of 1.6e-05 in 250542 control chromosomes. The available data on variant occurrences in the general population are insufficient to allow any conclusion about variant significance. To our knowledge, no occurrence of c.5702G>A in individuals affected with Nizon-Isidor Syndrome and no experimental evidence demonstrating its impact on protein function have been reported. ClinVar contains an entry for this variant (Variation ID: 1342365). Based on the evidence outlined above, the variant was classified as uncertain significance.

Ambry Genetics
Classification: Uncertain significance for Inborn genetic diseases. Last evaluated: 2023-12-15. Review status: criteria provided, single submitter. Criteria: Ambry Variant Classification Scheme 2023. Collection method: clinical testing. Allele origin: germline.

New York Genome Center
Classification: Uncertain significance for Nizon-Isidor syndrome. Last evaluated: 2021-02-24. Review status: criteria provided, single submitter. Criteria: NYGC Assertion Criteria 2020. Collection method: clinical testing. Allele origin: germline. Observed: 1 heterozygote. Study: CSER-NYCKidSeq.